The following is an entry in ClinVar:

ClinVar aggregate classification (germline): Pathogenic (0 of 4 stars; one submission).

Conditions:
Carcinoma of colon (CRC). Also called: Colonic carcinoma; Colon carcinoma. Identifiers: MedGen C0699790, MONDO:0002032.

Submission:

Department of Pathology and Laboratory Medicine, Sinai Health System
Classification: Pathogenic for Carcinoma of colon. Review status: no assertion criteria provided. Collection method: clinical testing. Allele origin: unknown. Affected: yes. Study: The Canadian Open Genetics Repository (COGR).
Comment: The APC p.Ala1283Leufs*5 variant was not identified in the literature nor was it identified in the following databases: dbSNP, ClinVar, LOVD 3.0, UMD-LSDB, the Exome Aggregation Consortium (August 8th 2016), or the Genome Aggregation Database (Feb 27, 2017). The c.3847del variant is predicted to cause a frameshift, which alters the protein's amino acid sequence beginning at codon 1283 and leads to a premature stop codon at position 1287. This alteration is then predicted to result in a truncated or absent protein and loss of function. Loss of function variants of the APC gene are an established mechanism of disease in APC associated cancers and is the type of variant expected to cause the disorder. In summary, based on the above information this variant meets our laboratoryâ€šÃ„Ã´s criteria to be classified as pathogenic.

NM_000038.6(APC):c.3847del (p.Ala1283fs)

Gene: APC (APC regulator of Wnt signaling pathway; plus strand). Cytogenetic location: 5q22.2.
Variant type: Deletion.
Coding change: c.3847del on transcript NM_000038.6 (MANE Select); coding-DNA position 3847, one base deleted (G; older notation c.3847delG).
Protein change: p.Ala1283fs; shifts the reading frame from alanine 1283.
Molecular consequence: frameshift variant.
Genome position (GRCh38, 1-based): chr5:112,839,441, G deleted. VCF-style (leftmost placement, unchanged base first): chr5-112839440-AG-A. GRCh37 (hg19) VCF-style: chr5-112175137-AG-A.
Other names: c.3847del, p.Ala1283fs (NM_001127510.3, NM_001354895.2); c.3793del, p.Ala1265fs (NM_001127511.3); c.3901del, p.Ala1301fs (NM_001354896.2); c.3877del, p.Ala1293fs (NM_001354897.2); c.3772del, p.Ala1258fs (NM_001354898.2); c.3763del, p.Ala1255fs (NM_001354899.2); c.3724del, p.Ala1242fs (NM_001354900.2); c.3670del, p.Ala1224fs (NM_001354901.2); and 5 more; short protein forms A1000fs, A1123fs, A1157fs, A1182fs, A1192fs, A1224fs, A1242fs, A1255fs.
Identifiers: ClinVar variation 1050449 (VCV001050449.1), dbSNP rs2149900353, ClinGen allele CA2499217481.